The following is an entry in ClinVar:

NM_021098.3(CACNA1H):c.3401C>G (p.Pro1134Arg)

Gene: CACNA1H (calcium voltage-gated channel subunit alpha1 H; plus strand). Cytogenetic location: 16p13.3.
Variant type: single nucleotide variant.
Coding change: c.3401C>G on transcript NM_021098.3 (MANE Select); coding-DNA position 3401, C replaced by G.
Protein change: p.Pro1134Arg; replaces proline 1134 with arginine.
Molecular consequence: missense variant.
Genome position (GRCh38, 1-based): chr16:1,209,069, C>G. VCF-style: chr16-1209069-C-G. GRCh37 (hg19) VCF-style: chr16-1259069-C-G.
Other names: c.3401C>G, p.Pro1134Arg (NM_001005407.2); short protein forms P1134R.
Identifiers: ClinVar variation 1471486 (VCV001471486.11), dbSNP rs759262489, ClinGen allele CA7800758.

ClinVar aggregate classification (germline): Conflicting classifications of pathogenicity. Review status: criteria provided, conflicting classifications (1 of 4 stars). 3 submissions from 3 submitters: Uncertain significance (2); Likely benign (1). Last evaluated 2025-04-03.

Conditions:
Hyperaldosteronism, familial, type IV (HALD4). Also called: FH IV; ALDOSTERONISM, PRIMARY, AND HYPERTENSION. Identifiers: Orphanet 642671, MedGen C4310756, MONDO:0014875, OMIM 617027.
Epilepsy, childhood absence, susceptibility to, 6. Identifiers: Orphanet 64280, MedGen C2749872, MONDO:0012763, OMIM 611942.
Idiopathic generalized epilepsy. Also called: Generalised epilepsy; EIG. Identifiers: MedGen C0270850, MONDO:0005579, OMIM 600669.

Allele frequency attached by ClinVar (database versions not stated): gnomAD exomes 0.00002 and 0.00008; gnomAD 0.00003 and 0.00004; TOPMed 0.00004.
gnomAD v4.1: 109 of 1,541,952 alleles (0.0071%); highest among the groups gnomAD compares: Non-Finnish European, 0.0094%; no homozygotes.

Submissions (3):

Women's Health and Genetics/Laboratory Corporation of America, LabCorp
Classification: Uncertain significance. Last evaluated: 2025-04-03. Review status: criteria provided, single submitter. Criteria: LabCorp Variant Classification Summary - May 2015. Collection method: clinical testing. Allele origin: germline.
Comment: Variant summary: CACNA1H c.3401C>G (p.Pro1134Arg) results in a non-conservative amino acid change in the encoded protein sequence. Four of five in-silico tools predict a benign effect of the variant on protein function. The variant allele was found at a frequency of 7.1e-05 in 1535344 control chromosomes, predominantly at a frequency of 9.4e-05 within the Non-Finnish European subpopulation in the gnomAD database. This frequency is not significantly higher than estimated for a pathogenic variant in CACNA1H causing Idiopathic Generalized Epilepsy, allowing no conclusion about variant significance. The variant, described as P1134R, has been reported in a pediatric patient who had epilepsy and nonanesthetic malignant hyperthermia (Schwarz_2017 [no PMID]), this patient also carried a missense variant in the RYR1 gene, which might be related to the hyperthermia phenotype. This report does not provide unequivocal conclusions about association of the variant with Idiopathic Generalized Epilepsy. To our knowledge, no experimental evidence demonstrating an impact on protein function has been reported. ClinVar contains an entry for this variant (Variation ID: 1471486). Based on the evidence outlined above, the variant was classified as uncertain significance.

Labcorp Genetics (formerly Invitae), Labcorp
Classification: Likely benign for Idiopathic generalized epilepsy; Hyperaldosteronism, familial, type IV. Last evaluated: 2022-12-02. Review status: criteria provided, single submitter. Criteria: Invitae Variant Classification Sherloc (09022015). Collection method: clinical testing. Allele origin: germline.

Fulgent Genetics
Classification: Uncertain significance for Epilepsy, childhood absence, susceptibility to, 6; Hyperaldosteronism, familial, type IV. Last evaluated: 2022-04-25. Review status: criteria provided, single submitter. Criteria: ACMG Guidelines, 2015. Collection method: clinical testing. Allele origin: unknown.